The following is an entry in ClinVar:

ClinVar aggregate classification (germline): Uncertain significance (1 of 4 stars; one submission).

Submission:

Labcorp Genetics (formerly Invitae), Labcorp
Classification: Uncertain significance. Last evaluated: 2019-05-24. Review status: criteria provided, single submitter. Criteria: Invitae Variant Classification Sherloc (09022015). Collection method: clinical testing. Allele origin: germline.
Comment: This variant disrupts the p.Gly11 amino acid residue in PPOX. Another variant that disrupt this residue have been observed in individuals with PPOX-related conditions (PMID: 16947091), which suggests that this may be a clinically significant amino acid residue. Algorithms developed to predict the effect of missense changes on protein structure and function are either unavailable or do not agree on the potential impact of this missense change (SIFT: "Deleterious"; PolyPhen-2: "Probably Damaging"; Align-GVGD: "Class C0"). In summary, the available evidence is currently insufficient to determine the role of this variant in disease. Therefore, it has been classified as a Variant of Uncertain Significance. This sequence change replaces glycine with serine at codon 11 of the PPOX protein (p.Gly11Ser). The glycine residue is highly conserved and there is a small physicochemical difference between glycine and serine. This variant is not present in population databases (ExAC no frequency). This variant has been observed in an individual affected with variegate porphyria (PMID: 11348478).

Literature cited by the submitters: PubMed 16947091; PubMed 11348478.

NM_001122764.3(PPOX):c.31G>A (p.Gly11Ser)

Gene: PPOX (protoporphyrinogen oxidase; plus strand). Cytogenetic location: 1q23.3.
Variant type: single nucleotide variant.
Coding change: c.31G>A on transcript NM_001122764.3 (MANE Select); coding-DNA position 31, G replaced by A.
Protein change: p.Gly11Ser; replaces glycine 11 with serine.
Molecular consequence: missense variant. On other transcripts: 5 prime UTR variant (5).
Genome position (GRCh38, 1-based): chr1:161,166,878, G>A. VCF-style: chr1-161166878-G-A. GRCh37 (hg19) VCF-style: chr1-161136668-G-A.
Other names: c.31G>A, p.Gly11Ser (NM_000309.5, NM_001350128.2, NM_001365398.1 and 1 more transcripts); c.-397G>A (NM_001350129.2); c.-488G>A (NM_001350130.2); c.-374G>A (NM_001350131.2); c.-281G>A (NM_001365400.1); c.-340G>A (NM_001365401.1); short protein forms G11S.
Identifiers: ClinVar variation 936759 (VCV000936759.9), dbSNP rs1571325591, ClinGen allele CA343350427.
Genomic context (GRCh38, chr1:161,166,878, plus strand): 5'-CATATCGCCCCCTTTCCCCCAGGTTTCCGCATGGGCCGGACCGTGGTCGTGCTGGGCGGA[G>A]GCATCAGCGGCTTGGCCGCCAGTTACCACCTGAGCCGGGCCCCCTGCCCCCCTAAGGTGA-3'
Protein context (NP_001116236.1, residues 1-21): MGRTVVVLGG[Gly11Ser]ISGLAASYHL